The following is an entry in ClinVar:

ClinVar aggregate classification (germline): Conflicting classifications of pathogenicity. Review status: criteria provided, conflicting classifications (1 of 4 stars). 5 submissions from 5 submitters: Pathogenic (3); Likely pathogenic (1); Uncertain significance (1). Last evaluated 2025-07-31.

Conditions:
OPTN-related disorder. Also called: OPTN-related condition; OPTN-related disorders.
Amyotrophic lateral sclerosis type 12 (ALS12). Also called: AMYOTROPHIC LATERAL SCLEROSIS 12 WITH OR WITHOUT FRONTOTEMPORAL DEMENTIA. Identifiers: Orphanet 803, MedGen C3150692, MONDO:0013264, OMIM 613435.
Primary open angle glaucoma (POAG). Also called: OPTN-related open angle glaucoma. Identifiers: MedGen C0339573, MONDO:0100553, OMIM 137760.
Glaucoma 1, open angle, E. Identifiers: MedGen C1842026, MONDO:0007665.
Inborn genetic diseases. Identifiers: MedGen C0950123, MeSH D030342.

Submissions (5):

PreventionGenetics, part of Exact Sciences
Classification: Likely pathogenic for OPTN-related condition. Last evaluated: 2025-07-31. Review status: criteria provided, single submitter. Criteria: ACMG Guidelines, 2015. Collection method: clinical testing. Allele origin: germline.
Comment: The OPTN c.76delC variant is predicted to result in a frameshift and premature protein termination (p.His26Thrfs*19). This variant was reported in the homozygous an individual with amyotrophic lateral sclerosis (Tunca et al. 2020. PubMed ID: 32579787). This variant is reported in 0.0026% of alleles in individuals of European (non-Finnish) descent in gnomAD. Frameshift variants in OPTN are expected to be pathogenic. This variant is interpreted as likely pathogenic.

Labcorp Genetics (formerly Invitae), Labcorp
Classification: Pathogenic for Primary open angle glaucoma; Glaucoma 1, open angle, E; Amyotrophic lateral sclerosis type 12. Last evaluated: 2023-10-23. Review status: criteria provided, single submitter. Criteria: Invitae Variant Classification Sherloc (09022015). Collection method: clinical testing. Allele origin: germline.
Comment: This sequence change creates a premature translational stop signal (p.His26Thrfs*19) in the OPTN gene. It is expected to result in an absent or disrupted protein product. Loss-of-function variants in OPTN are known to be pathogenic (PMID: 20428114). This variant is present in population databases (rs766608795, gnomAD 0.003%). This premature translational stop signal has been observed in individual(s) with autosomal recessive amyotrophic lateral sclerosis (PMID: 32579787). ClinVar contains an entry for this variant (Variation ID: 873264). For these reasons, this variant has been classified as Pathogenic.

AiLife Diagnostics
Classification: Uncertain significance. Last evaluated: 2022-03-23. Review status: criteria provided, single submitter. Criteria: ACMG Guidelines, 2015. Collection method: clinical testing. Allele origin: germline. Affected: yes. Observed: 1 variant allele.

Suna and Inan Kirac Foundation Neurodegeneration Research Laboratory, Koc University
Classification: Pathogenic for Amyotrophic lateral sclerosis type 12. Last evaluated: 2020-03-31. Review status: criteria provided, single submitter. Criteria: ACMG Guidelines, 2015. Collection method: research. Allele origin: germline. Affected: yes. Observed: 1 variant allele.

Ambry Genetics
Classification: Pathogenic for Inborn genetic diseases. Last evaluated: 2020-01-02. Review status: criteria provided, single submitter. Criteria: Ambry Variant Classification Scheme 2023. Collection method: clinical testing. Allele origin: germline.
Comment: The c.76delC variant, located in coding exon 1 of the OPTN gene, results from a deletion of one nucleotide at nucleotide position 76, causing a translational frameshift with a predicted alternate stop codon (p.H26Tfs*19). This alteration is expected to result in loss of function by premature protein truncation or nonsense-mediated mRNA decay. As such, this alteration is interpreted as a disease-causing mutation.

Literature cited by the submitters: PubMed 20428114 (cited by Labcorp Genetics (formerly Invitae), Labcorp); PubMed 32579787 (cited by Labcorp Genetics (formerly Invitae), Labcorp and AiLife Diagnostics).

NM_001008212.2(OPTN):c.76del (p.His26fs)

Genes: OPTN (optineurin; plus strand), LOC108903148 (10p13 OPTN distal Alu-mediated recombination region; plus strand). Cytogenetic location: 10p13.
Variant type: Deletion.
Coding change: c.76del on transcript NM_001008212.2 (MANE Select); coding-DNA position 76, one base deleted (C; older notation c.76delC).
Protein change: p.His26fs; shifts the reading frame from histidine 26.
Molecular consequence: frameshift variant.
Genome position (GRCh38, 1-based): chr10:13,109,198, C deleted; the last of 7 consecutive C bases (chr10:13,109,192-13,109,198); deleting any one gives the same sequence. VCF-style (leftmost placement, unchanged base first): chr10-13109191-AC-A. GRCh37 (hg19) VCF-style: chr10-13151191-AC-A.
Other names: c.76delC (NM_021980.4, NM_001008211.1); c.76del, p.His26fs (NM_001008211.1, NM_001008213.1, NM_021980.4); short protein forms H26fs.
Identifiers: ClinVar variation 873264 (VCV000873264.12), dbSNP rs753966040, ClinGen allele CA5410498.